The following is an entry in ClinVar:

NM_005245.4(FAT1):c.724A>C (p.Lys242Gln)

Gene: FAT1 (FAT atypical cadherin 1; minus strand). Cytogenetic location: 4q35.2.
Variant type: single nucleotide variant.
Coding change: c.724A>C on transcript NM_005245.4 (MANE Select); coding-DNA position 724, A replaced by C.
Protein change: p.Lys242Gln; replaces lysine 242 with glutamine.
Molecular consequence: missense variant.
Genome position (GRCh38, 1-based): chr4:186,709,104, T>G on the plus strand (A>C on the coding strand, the complement: FAT1 is on the minus strand). VCF-style: chr4-186709104-T-G. GRCh37 (hg19) VCF-style: chr4-187630258-T-G.
Other names: c.724A>C, p.Lys242Gln (NM_001440455.1, NM_001440456.1, NM_001440457.1); short protein forms K242Q.
Identifiers: ClinVar variation 4996858 (VCV004996858.1).

ClinVar aggregate classification (germline): Uncertain significance (1 of 4 stars; one submission).

Conditions:
FAT1-related disorder. Also called: FAT1-related condition.

gnomAD v4.1: 1 of 1,613,818 alleles (0.000062%); highest among the groups gnomAD compares: Non-Finnish European, 0.000085%; no homozygotes.

Submission:

PreventionGenetics, part of Exact Sciences
Classification: Uncertain significance for FAT1-related condition. Last evaluated: 2025-07-24. Review status: criteria provided, single submitter. Criteria: ACMG Guidelines, 2015. Collection method: clinical testing. Allele origin: germline.
Comment: The FAT1 c.724A>C variant is predicted to result in the amino acid substitution p.Lys242Gln. To our knowledge, this variant has not been reported in the literature or in a large population database (gnomAD), indicating this variant is rare. At this time, the clinical significance of this variant is uncertain due to the absence of conclusive functional and genetic evidence.